The following is an entry in ClinVar:

ClinVar aggregate classification (germline): Uncertain significance. Review status: criteria provided, multiple submitters, no conflicts (2 of 4 stars). 3 submissions from 3 submitters: Uncertain significance (3). Last evaluated 2023-04-24.

Conditions:
Inborn genetic diseases. Identifiers: MedGen C0950123, MeSH D030342.

Submissions (3):

GeneDx
Classification: Uncertain significance. Last evaluated: 2023-04-24. Review status: criteria provided, single submitter. Criteria: GeneDx Variant Classification Process June 2021. Collection method: clinical testing. Allele origin: germline. Affected: yes.
Comment: Not observed at significant frequency in large population cohorts (gnomAD); In silico analysis supports that this missense variant has a deleterious effect on protein structure/function; Has not been previously published as pathogenic or benign to our knowledge

Ambry Genetics
Classification: Uncertain significance for Inborn genetic diseases. Last evaluated: 2023-01-10. Review status: criteria provided, single submitter. Criteria: Ambry Variant Classification Scheme 2023. Collection method: clinical testing. Allele origin: germline.

Labcorp Genetics (formerly Invitae), Labcorp
Classification: Uncertain significance. Last evaluated: 2022-12-15. Review status: criteria provided, single submitter. Criteria: Invitae Variant Classification Sherloc (09022015). Collection method: clinical testing. Allele origin: germline.
Comment: This sequence change replaces aspartic acid, which is acidic and polar, with glutamic acid, which is acidic and polar, at codon 1145 of the SCN3A protein (p.Asp1145Glu). This variant is not present in population databases (gnomAD no frequency). This variant has not been reported in the literature in individuals affected with SCN3A-related conditions. ClinVar contains an entry for this variant (Variation ID: 1037560). Advanced modeling of protein sequence and biophysical properties (such as structural, functional, and spatial information, amino acid conservation, physicochemical variation, residue mobility, and thermodynamic stability) performed at Invitae indicates that this missense variant is not expected to disrupt SCN3A protein function. In summary, the available evidence is currently insufficient to determine the role of this variant in disease. Therefore, it has been classified as a Variant of Uncertain Significance.

NM_006922.4(SCN3A):c.3435T>G (p.Asp1145Glu)

Gene: SCN3A (sodium voltage-gated channel alpha subunit 3; minus strand). Cytogenetic location: 2q24.3.
Variant type: single nucleotide variant.
Coding change: c.3435T>G on transcript NM_006922.4 (MANE Select); coding-DNA position 3435, T replaced by G.
Protein change: p.Asp1145Glu; replaces aspartic acid 1145 with glutamic acid.
Molecular consequence: missense variant.
Genome position (GRCh38, 1-based): chr2:165,115,534, A>C on the plus strand (T>G on the coding strand, the complement: SCN3A is on the minus strand). VCF-style: chr2-165115534-A-C. GRCh37 (hg19) VCF-style: chr2-165972044-A-C.
Other names: c.3288T>G, p.Asp1096Glu (NM_001081676.2, NM_001081677.2); c.3435T>G (NM_006922.3); short protein forms D1145E, D1096E.
Identifiers: ClinVar variation 1037560 (VCV001037560.11), dbSNP rs1686329652, ClinGen allele CA349035841.
Genomic context (GRCh38, chr2:165,115,534, plus strand): 5'-CGGTTTAAGGTCTTCTTCGGGTTCAGTTTCAGCTTGTTCACCTTCTCGGGGTAGAACAAC[A>C]TCAACTGTGCTTCCTTCAGATGAGCTGGTTGCATTTAATTTCTGGAAACAAAATCCCATT-3'
Protein context (NP_008853.3, residues 1135-1155): ATSSSEGSTV[Asp1145Glu]VVLPREGEQA